The following is an entry in ClinVar:

NM_006372.5(SYNCRIP):c.1400A>T (p.Tyr467Phe)

Gene: SYNCRIP (synaptotagmin binding cytoplasmic RNA interacting protein; minus strand). Cytogenetic location: 6q14.3.
Variant type: single nucleotide variant.
Coding change: c.1400A>T on transcript NM_006372.5 (MANE Select); coding-DNA position 1400, A replaced by T.
Protein change: p.Tyr467Phe; replaces tyrosine 467 with phenylalanine.
Molecular consequence: missense variant.
Genome position (GRCh38, 1-based): chr6:85,615,228, T>A on the plus strand (A>T on the coding strand, the complement: SYNCRIP is on the minus strand). VCF-style: chr6-85615228-T-A. GRCh37 (hg19) VCF-style: chr6-86324946-T-A.
Other names: c.1106A>T, p.Tyr369Phe (NM_001159673.2, NM_001410938.1); c.1295A>T, p.Tyr432Phe (NM_001159674.2, NM_001159675.2); c.1400A>T, p.Tyr467Phe (NM_001159676.2, NM_001159677.2); c.944A>T, p.Tyr315Phe (NM_001253771.2); short protein forms Y315F, Y369F, Y432F, Y467F.
Identifiers: ClinVar variation 3770526 (VCV003770526.13).

ClinVar aggregate classification (germline): Likely benign (1 of 4 stars; one submission).

gnomAD v4.1: 1,526 of 1,609,122 alleles (0.095%); highest among the groups gnomAD compares: Non-Finnish European, 0.11%; 2 homozygotes.

Submission:

CeGaT Center for Human Genetics Tuebingen
Classification: Likely benign. Last evaluated: 2024-12-01. Review status: criteria provided, single submitter. Criteria: CeGaT Center For Human Genetics Tuebingen Variant Classification Criteria Version 2. Collection method: clinical testing. Allele origin: germline. Affected: yes. Observed: 1 variant allele.
Comment: SYNCRIP: BS1